The following is an entry in ClinVar:

ClinVar aggregate classification (germline): Benign/Likely benign. Review status: criteria provided, multiple submitters, no conflicts (2 of 4 stars). 2 submissions from 2 submitters: Benign (1); Likely benign (1). Last evaluated 2026-03-04.

Conditions:
RHOBTB2-related disorder. Also called: RHOBTB2-related condition.

Allele frequency attached by ClinVar (database versions not stated): gnomAD exomes 0.00002 and 0.00006; ExAC 0.00003; gnomAD 0.00005; TOPMed 0.00005.
gnomAD v4.1: 38 of 1,613,990 alleles (0.0024%); highest among the groups gnomAD compares: Admixed American, 0.0017%; no homozygotes.

Submissions (2):

PreventionGenetics, part of Exact Sciences
Classification: Likely benign for RHOBTB2-related condition. Last evaluated: 2026-03-04. Review status: criteria provided, single submitter. Criteria: ACMG Guidelines, 2015. Collection method: clinical testing. Allele origin: germline.
Comment: This variant is classified as likely benign based on ACMG/AMP sequence variant interpretation guidelines (Richards et al. 2015 PMID: 25741868, with internal and published modifications).

Labcorp Genetics (formerly Invitae), Labcorp
Classification: Benign. Last evaluated: 2023-08-10. Review status: criteria provided, single submitter. Criteria: Invitae Variant Classification Sherloc (09022015). Collection method: clinical testing. Allele origin: germline.

NM_015178.3(RHOBTB2):c.1920C>T (p.Asn640=)

Gene: RHOBTB2 (Rho related BTB domain containing 2; plus strand). Cytogenetic location: 8p21.3.
Variant type: single nucleotide variant.
Coding change: c.1920C>T on transcript NM_015178.3 (MANE Select); coding-DNA position 1920, C replaced by T.
Protein change: p.Asn640=; no amino-acid change (asparagine 640 retained).
Molecular consequence: synonymous variant.
Genome position (GRCh38, 1-based): chr8:23,015,697, C>T. VCF-style: chr8-23015697-C-T. GRCh37 (hg19) VCF-style: chr8-22873210-C-T.
Other names: c.1986C>T, p.Asn662= (NM_001160036.2); c.1941C>T, p.Asn647= (NM_001160037.2); c.1920C>T, p.Asn640= (NM_001374791.1).
Identifiers: ClinVar variation 764832 (VCV000764832.8), dbSNP rs771655446, ClinGen allele CA4672819.